The following is an entry in ClinVar:

NM_020877.5(DNAH2):c.1904+136C>T

Gene: DNAH2 (dynein axonemal heavy chain 2; plus strand). Cytogenetic location: 17p13.1.
Variant type: single nucleotide variant.
Coding change: c.1904+136C>T on transcript NM_020877.5 (MANE Select); 136 bases into the intron after coding-DNA position 1904, C replaced by T.
Molecular consequence: intron variant. On other transcripts: synonymous variant (1).
Genome position (GRCh38, 1-based): chr17:7,743,278, C>T. VCF-style: chr17-7743278-C-T. GRCh37 (hg19) VCF-style: chr17-7646596-C-T.
Other names: c.2286C>T, p.Tyr762= (NM_001303270.2).
Identifiers: ClinVar variation 3043471 (VCV003043471.2), dbSNP rs374790567, ClinGen allele CA8356302.

ClinVar aggregate classification (germline): Likely benign (0 of 4 stars; one submission).

Conditions:
DNAH2-related disorder. Also called: DNAH2-related condition.

Allele frequency attached by ClinVar (database versions not stated): gnomAD exomes 0.00010; gnomAD 0.00013; TOPMed 0.00014; ExAC 0.00023; 1000 Genomes Project 0.00080.
gnomAD v4.1: 100 of 960,802 alleles (0.01%); highest among the groups gnomAD compares: East Asian, 0.26%; no homozygotes.

Submission:

PreventionGenetics, part of Exact Sciences
Classification: Likely benign for DNAH2-related condition. Last evaluated: 2019-06-25. Review status: no assertion criteria provided. Collection method: clinical testing. Allele origin: germline.
Comment: This variant is classified as likely benign based on ACMG/AMP sequence variant interpretation guidelines (Richards et al. 2015 PMID: 25741868, with internal and published modifications).